The following is an entry in ClinVar:

NM_017780.4(CHD7):c.1534C>G (p.Pro512Ala)

Gene: CHD7 (chromodomain helicase DNA binding protein 7; plus strand). Cytogenetic location: 8q12.2.
Variant type: single nucleotide variant.
Coding change: c.1534C>G on transcript NM_017780.4 (MANE Select); coding-DNA position 1534, C replaced by G.
Protein change: p.Pro512Ala; replaces proline 512 with alanine.
Molecular consequence: missense variant.
Genome position (GRCh38, 1-based): chr8:60,742,966, C>G. VCF-style: chr8-60742966-C-G. GRCh37 (hg19) VCF-style: chr8-61655525-C-G.
Other names: c.1534C>G, p.Pro512Ala (NM_001316690.1); short protein forms P512A.
Identifiers: ClinVar variation 597511 (VCV000597511.14), dbSNP rs748635676, ClinGen allele CA4759505.

ClinVar aggregate classification (germline): Uncertain significance. Review status: criteria provided, multiple submitters, no conflicts (2 of 4 stars). 2 submissions from 2 submitters: Uncertain significance (2). Last evaluated 2022-03-10.

Conditions:
CHARGE syndrome (CHARGE). Also called: Coloboma, heart anomaly, choanal atresia, retardation, genital and ear anomalies; CHARGE association; Hall-Hittner syndrome; Hittner Hirsch Kreh syndrome; CHARGE ASSOCIATION--COLOBOMA, HEART ANOMALY, CHOANAL ATRESIA, RETARDATION, GENITAL AND EAR ANOMALIES. Identifiers: Orphanet 138, MedGen C0265354, MONDO:0008965.

Allele frequency attached by ClinVar (database versions not stated): gnomAD exomes below 0.00001; ExAC 0.00001.

Submissions (2):

Labcorp Genetics (formerly Invitae), Labcorp
Classification: Uncertain significance for CHARGE syndrome. Last evaluated: 2022-03-10. Review status: criteria provided, single submitter. Criteria: Invitae Variant Classification Sherloc (09022015). Collection method: clinical testing. Allele origin: germline.
Comment: In summary, the available evidence is currently insufficient to determine the role of this variant in disease. Therefore, it has been classified as a Variant of Uncertain Significance. Advanced modeling of protein sequence and biophysical properties (such as structural, functional, and spatial information, amino acid conservation, physicochemical variation, residue mobility, and thermodynamic stability) performed at Invitae indicates that this missense variant is not expected to disrupt CHD7 protein function. ClinVar contains an entry for this variant (Variation ID: 597511). This variant has not been reported in the literature in individuals affected with CHD7-related conditions. This variant is present in population databases (rs748635676, gnomAD no frequency). This sequence change replaces proline, which is neutral and non-polar, with alanine, which is neutral and non-polar, at codon 512 of the CHD7 protein (p.Pro512Ala).

Eurofins Ntd Llc (ga)
Classification: Uncertain significance. Last evaluated: 2018-06-22. Review status: criteria provided, single submitter. Criteria: EGL ClinVar v180209 classification definitions. Collection method: clinical testing. Allele origin: germline. Observed: 1 variant allele, 1 heterozygote.